The following is an entry in ClinVar:

NM_014795.4(ZEB2):c.2506A>G (p.Lys836Glu)

Gene: ZEB2 (zinc finger E-box binding homeobox 2; minus strand). Cytogenetic location: 2q22.3.
Variant type: single nucleotide variant.
Coding change: c.2506A>G on transcript NM_014795.4 (MANE Select); coding-DNA position 2506, A replaced by G.
Protein change: p.Lys836Glu; replaces lysine 836 with glutamic acid.
Molecular consequence: missense variant.
Genome position (GRCh38, 1-based): chr2:144,398,681, T>C on the plus strand (A>G on the coding strand, the complement: ZEB2 is on the minus strand). VCF-style: chr2-144398681-T-C. GRCh37 (hg19) VCF-style: chr2-145156248-T-C.
Other names: c.2434A>G, p.Lys812Glu (NM_001171653.2); short protein forms K812E, K836E.
Identifiers: ClinVar variation 2089650 (VCV002089650.4), dbSNP rs2549105906, ClinGen allele CA348708128.

ClinVar aggregate classification (germline): Uncertain significance (1 of 4 stars; one submission).

Conditions:
Mowat-Wilson syndrome (MOWS). Also called: Classic Mowat-Wilson Syndrome. Identifiers: Orphanet 2152, MedGen C1856113, MONDO:0009341, OMIM 235730.

Allele frequency attached by ClinVar (database versions not stated): gnomAD exomes below 0.00001.
gnomAD v4.1: 1 of 1,614,000 alleles (0.000062%); highest among the groups gnomAD compares: Non-Finnish European, 0.000085%; no homozygotes.

Submission:

Labcorp Genetics (formerly Invitae), Labcorp
Classification: Uncertain significance for Mowat-Wilson syndrome. Last evaluated: 2022-08-16. Review status: criteria provided, single submitter. Criteria: Invitae Variant Classification Sherloc (09022015). Collection method: clinical testing. Allele origin: germline.
Comment: In summary, the available evidence is currently insufficient to determine the role of this variant in disease. Therefore, it has been classified as a Variant of Uncertain Significance. Algorithms developed to predict the effect of missense changes on protein structure and function (SIFT, PolyPhen-2, Align-GVGD) all suggest that this variant is likely to be tolerated. This variant has not been reported in the literature in individuals affected with ZEB2-related conditions. This variant is not present in population databases (gnomAD no frequency). This sequence change replaces lysine, which is basic and polar, with glutamic acid, which is acidic and polar, at codon 836 of the ZEB2 protein (p.Lys836Glu).